The following is an entry in ClinVar:

NM_003738.5(PTCH2):c.1304T>C (p.Leu435Pro)

Gene: PTCH2 (patched 2; minus strand). Cytogenetic location: 1p34.1.
Variant type: single nucleotide variant.
Coding change: c.1304T>C on transcript NM_003738.5 (MANE Select); coding-DNA position 1304, T replaced by C.
Protein change: p.Leu435Pro; replaces leucine 435 with proline.
Molecular consequence: missense variant.
Genome position (GRCh38, 1-based): chr1:44,829,224, A>G on the plus strand (T>C on the coding strand, the complement: PTCH2 is on the minus strand). VCF-style: chr1-44829224-A-G. GRCh37 (hg19) VCF-style: chr1-45294896-A-G.
Other names: c.1304T>C, p.Leu435Pro (NM_001166292.2); short protein forms L435P.
Identifiers: ClinVar variation 5020343 (VCV005020343.1).

ClinVar aggregate classification (germline): Uncertain significance (1 of 4 stars; one submission).

gnomAD v4.1: 10 of 1,613,448 alleles (0.00062%); highest among the groups gnomAD compares: South Asian, 0.0022%; no homozygotes.

Submission:

Dasa
Classification: Uncertain significance. Last evaluated: 2026-06-19. Review status: criteria provided, single submitter. Criteria: DASA Assertion Criteria. Collection method: clinical testing. Allele origin: germline.
Comment: NM_003738.5(PTCH2):c.1304T>C (p.Leu435Pro) is a missense variant that results in the substitution of leucine with proline. This variant is rare in population databases. The currently available literature and clinical evidence are not sufficient to establish a definitive association between this variant and the reported condition. Therefore, this variant is classified as a variant of uncertain significance.